The following is an entry in ClinVar:

ClinVar aggregate classification (germline): Uncertain significance (1 of 4 stars; one submission).

Submission:

GeneDx
Classification: Uncertain significance. Last evaluated: 2025-03-18. Review status: criteria provided, single submitter. Criteria: GeneDx Variant Classification Process June 2021. Collection method: clinical testing. Allele origin: germline. Affected: yes.
Comment: Not observed at significant frequency in large population cohorts (gnomAD); In silico analysis indicates that this missense variant does not alter protein structure/function; Has not been previously published as pathogenic or benign to our knowledge

NM_006265.3(RAD21):c.590A>G (p.Gln197Arg)

Gene: RAD21 (RAD21 cohesin complex component; minus strand). Cytogenetic location: 8q24.11.
Variant type: single nucleotide variant.
Coding change: c.590A>G on transcript NM_006265.3 (MANE Select); coding-DNA position 590, A replaced by G.
Protein change: p.Gln197Arg; replaces glutamine 197 with arginine.
Molecular consequence: missense variant.
Genome position (GRCh38, 1-based): chr8:116,857,365, T>C on the plus strand (A>G on the coding strand, the complement: RAD21 is on the minus strand). VCF-style: chr8-116857365-T-C. GRCh37 (hg19) VCF-style: chr8-117869604-T-C.
Other names: short protein forms Q197R.
Identifiers: ClinVar variation 4086617 (VCV004086617.1).